The following is an entry in ClinVar:

ClinVar aggregate classification (germline): Uncertain significance (1 of 4 stars; one submission).

Conditions:
Emery-Dreifuss muscular dystrophy 4, autosomal dominant (EDMD4). Also called: EMERY-DREIFUSS MUSCULAR DYSTROPHY 4 WITH VARIABLE FEATURES. Identifiers: Orphanet 261, MedGen C2751807, MONDO:0013071, OMIM 612998.
Autosomal recessive ataxia, Beauce type. Also called: Spinocerebellar ataxia, autosomal recessive 8; ATAXIA, RECESSIVE, OF BEAUCE; SYNE1-Related Autosomal Recessive Cerebellar Ataxia; SYNE1 Deficiency. Identifiers: Orphanet 88644, MedGen C1853116, MONDO:0012549, OMIM 610743.

Submission:

Labcorp Genetics (formerly Invitae), Labcorp
Classification: Uncertain significance for Emery-Dreifuss muscular dystrophy 4, autosomal dominant; Autosomal recessive ataxia, Beauce type. Last evaluated: 2022-09-01. Review status: criteria provided, single submitter. Criteria: Invitae Variant Classification Sherloc (09022015). Collection method: clinical testing. Allele origin: germline.
Comment: In summary, the available evidence is currently insufficient to determine the role of this variant in disease. Therefore, it has been classified as a Variant of Uncertain Significance. Algorithms developed to predict the effect of missense changes on protein structure and function (SIFT, PolyPhen-2, Align-GVGD) all suggest that this variant is likely to be disruptive. This sequence change replaces glutamic acid, which is acidic and polar, with lysine, which is basic and polar, at codon 5749 of the SYNE1 protein (p.Glu5749Lys). This variant is not present in population databases (gnomAD no frequency). This variant has not been reported in the literature in individuals affected with SYNE1-related conditions. ClinVar contains an entry for this variant (Variation ID: 660772).

NM_182961.4(SYNE1):c.17458G>A (p.Glu5820Lys)

Genes: SYNE1 (spectrin repeat containing nuclear envelope protein 1; minus strand), LOC129997480 (ATAC-STARR-seq lymphoblastoid active region 25287; plus strand). Cytogenetic location: 6q25.2.
Variant type: single nucleotide variant.
Coding change: c.17458G>A on transcript NM_182961.4 (MANE Select); coding-DNA position 17458, G replaced by A.
Protein change: p.Glu5820Lys; replaces glutamic acid 5820 with lysine.
Molecular consequence: missense variant.
Genome position (GRCh38, 1-based): chr6:152,301,952, C>T on the plus strand (G>A on the coding strand, the complement: SYNE1 is on the minus strand). VCF-style: chr6-152301952-C-T. GRCh37 (hg19) VCF-style: chr6-152623087-C-T.
Other names: c.17245G>A, p.Glu5749Lys (NM_033071.5); short protein forms E5749K, E5820K.
Identifiers: ClinVar variation 660772 (VCV000660772.9), dbSNP rs918895767, ClinGen allele CA366103740.
Genomic context (GRCh38, chr6:152,301,952, plus strand): 5'-AAGGCGTGGGGAGGAGCTCCCCATCCAGGTCCTCTGTCCCTTCCGCCAGCCCCTCGACCT[C>T]GGTCACCGTCAGCAGCATGGTGGCGTGCTTGGCTTTCATCGTCAGCATCTTGCACTTGGA-3'
Protein context (NP_892006.3, residues 5810-5830): KHATMLLTVT[Glu5820Lys]VEGLAEGTED